The following is an entry in ClinVar:

ClinVar aggregate classification (germline): Uncertain significance (1 of 4 stars; one submission).

gnomAD v4.1: 11 of 1,209,551 alleles (0.00091%); highest among the groups gnomAD compares: Middle Eastern, 0.023%; no homozygotes.

Submission:

Labcorp Genetics (formerly Invitae), Labcorp
Classification: Uncertain significance. Last evaluated: 2024-05-21. Review status: criteria provided, single submitter. Criteria: Invitae Variant Classification Sherloc (09022015). Collection method: clinical testing. Allele origin: germline.
Comment: This sequence change replaces isoleucine, which is neutral and non-polar, with threonine, which is neutral and polar, at codon 154 of the AP1S2 protein (p.Ile154Thr). This variant is not present in population databases (gnomAD no frequency). This variant has not been reported in the literature in individuals affected with AP1S2-related conditions. An algorithm developed to predict the effect of missense changes on protein structure and function (PolyPhen-2) suggests that this variant is likely to be tolerated. In summary, the available evidence is currently insufficient to determine the role of this variant in disease. Therefore, it has been classified as a Variant of Uncertain Significance.

NM_001272071.2(AP1S2):c.470T>C (p.Ile157Thr)

Gene: AP1S2 (adaptor related protein complex 1 subunit sigma 2; minus strand). Cytogenetic location: Xp22.2.
Variant type: single nucleotide variant.
Coding change: c.470T>C on transcript NM_001272071.2 (MANE Select); coding-DNA position 470, T replaced by C.
Protein change: p.Ile157Thr; replaces isoleucine 157 with threonine.
Molecular consequence: missense variant.
Genome position (GRCh38, 1-based): chrX:15,827,338, A>G on the plus strand (T>C on the coding strand, the complement: AP1S2 is on the minus strand). VCF-style: chrX-15827338-A-G. GRCh37 (hg19) VCF-style: chrX-15845461-A-G.
Other names: c.461T>C, p.Ile154Thr (NM_003916.5); short protein forms I154T, I157T.
Identifiers: ClinVar variation 3699306 (VCV003699306.2).